The following is an entry in ClinVar:

NM_001903.5(CTNNA1):c.846C>T (p.Leu282=)

Gene: CTNNA1 (catenin alpha 1; plus strand). Cytogenetic location: 5q31.2.
Variant type: single nucleotide variant.
Coding change: c.846C>T on transcript NM_001903.5 (MANE Select); coding-DNA position 846, C replaced by T.
Protein change: p.Leu282=; no amino-acid change (leucine 282 retained).
Molecular consequence: synonymous variant.
Genome position (GRCh38, 1-based): chr5:138,824,787, C>T. VCF-style: chr5-138824787-C-T. GRCh37 (hg19) VCF-style: chr5-138160476-C-T.
Other names: c.846C>T (NM_001903.2); c.846C>T, p.Leu282= (NM_001290307.3, NM_001323982.2, NM_001323983.1 and 3 more transcripts); c.537C>T, p.Leu179= (NM_001290309.3); c.477C>T, p.Leu159= (NM_001290310.3).
Identifiers: ClinVar variation 1159421 (VCV001159421.11), dbSNP rs1439421661, ClinGen allele CA446595097.

ClinVar aggregate classification (germline): Benign/Likely benign. Review status: criteria provided, multiple submitters, no conflicts (2 of 4 stars). 3 submissions from 3 submitters: Benign (1); Likely benign (2). Last evaluated 2025-03-15.

Conditions:
Hereditary diffuse gastric adenocarcinoma (HDGC). Also called: DIFFUSE GASTRIC AND LOBULAR BREAST CANCER SYNDROME. Identifiers: Orphanet 26106, MedGen C1708349, MONDO:0007648, OMIM 137215.
Hereditary cancer-predisposing syndrome. Also called: Neoplastic Syndromes, Hereditary; Hereditary Cancer Syndrome; Hereditary neoplastic syndrome; Tumor predisposition. Identifiers: Orphanet 140162, MedGen C0027672, MeSH D009386, MONDO:0015356.

Allele frequency attached by ClinVar (database versions not stated): gnomAD exomes below 0.00001.
gnomAD v4.1: 5 of 1,612,620 alleles (0.00031%); highest among the groups gnomAD compares: African/African-American, 0.0013%; no homozygotes.

Submissions (3):

Ambry Genetics
Classification: Likely benign for Hereditary cancer-predisposing syndrome. Last evaluated: 2025-03-15. Review status: criteria provided, single submitter. Criteria: Ambry Variant Classification Scheme 2023. Collection method: clinical testing. Allele origin: germline.

Myriad Genetics, Inc.
Classification: Benign for Hereditary diffuse gastric adenocarcinoma. Last evaluated: 2024-10-10. Review status: criteria provided, single submitter. Criteria: Myriad Autosomal Dominant, Autosomal Recessive and X-Linked Classification Criteria (2023). Collection method: clinical testing. Allele origin: unknown.
Comment: This variant is considered benign. This variant is a silent/synonymous amino acid change and it is not expected to impact splicing.

Labcorp Genetics (formerly Invitae), Labcorp
Classification: Likely benign. Last evaluated: 2021-04-29. Review status: criteria provided, single submitter. Criteria: Invitae Variant Classification Sherloc (09022015). Collection method: clinical testing. Allele origin: germline.